The following is an entry in ClinVar:

ClinVar aggregate classification (germline): Uncertain significance. Review status: criteria provided, multiple submitters, no conflicts (2 of 4 stars). 4 submissions from 4 submitters: Uncertain significance (4). Last evaluated 2024-02-15.

Conditions:
Hereditary cancer-predisposing syndrome. Also called: Tumor predisposition; Hereditary Cancer Syndrome; Neoplastic Syndromes, Hereditary; Hereditary neoplastic syndrome. Identifiers: Orphanet 140162, MedGen C0027672, MeSH D009386, MONDO:0015356.
Microcephaly, normal intelligence and immunodeficiency (NBS). Also called: IMMUNODEFICIENCY, MICROCEPHALY, AND CHROMOSOMAL INSTABILITY; SEEMANOVA SYNDROME II; Nijmegen breakage syndrome; Microcephaly with normal intelligence immunodeficiency and lymphoreticular malignancies; Nonsyndromal microcephaly autosomal recessive with normal intelligence; Seemanova syndrome 2. Identifiers: Orphanet 647, MedGen C0398791, MONDO:0009623, OMIM 251260.

Allele frequency attached by ClinVar (database versions not stated): gnomAD 0.00001; TOPMed 0.00001; gnomAD exomes 0.00003 and 0.00004; ExAC 0.00008.
gnomAD v4.1: 19 of 1,612,932 alleles (0.0012%); highest among the groups gnomAD compares: Non-Finnish European, 0.0014%; no homozygotes.

Submissions (4):

Labcorp Genetics (formerly Invitae), Labcorp
Classification: Uncertain significance for Microcephaly, normal intelligence and immunodeficiency. Last evaluated: 2024-02-15. Review status: criteria provided, single submitter. Criteria: Invitae Variant Classification Sherloc (09022015). Collection method: clinical testing. Allele origin: germline.
Comment: This sequence change replaces serine, which is neutral and polar, with isoleucine, which is neutral and non-polar, at codon 207 of the NBN protein (p.Ser207Ile). This variant is present in population databases (rs587780099, gnomAD 0.009%). This variant has not been reported in the literature in individuals affected with NBN-related conditions. ClinVar contains an entry for this variant (Variation ID: 127876). An algorithm developed to predict the effect of missense changes on protein structure and function (PolyPhen-2) suggests that this variant¬†is likely to be tolerated. In summary, the available evidence is currently insufficient to determine the role of this variant in disease. Therefore, it has been classified as a Variant of Uncertain Significance.

Ambry Genetics
Classification: Uncertain significance for Hereditary cancer-predisposing syndrome. Last evaluated: 2023-12-24. Review status: criteria provided, single submitter. Criteria: Ambry Variant Classification Scheme 2023. Collection method: clinical testing. Allele origin: germline.
Comment: The p.S207I variant (also known as c.620G>T), located in coding exon 6 of the NBN gene, results from a G to T substitution at nucleotide position 620. The serine at codon 207 is replaced by isoleucine, an amino acid with dissimilar properties. This amino acid position is poorly conserved in available vertebrate species. In addition, this alteration is predicted to be tolerated by in silico analysis. Since supporting evidence is limited at this time, the clinical significance of this alteration remains unclear.

Genome-Nilou Lab
Classification: Uncertain significance for Microcephaly, normal intelligence and immunodeficiency. Last evaluated: 2021-11-07. Review status: criteria provided, single submitter. Criteria: ACMG Guidelines, 2015. Collection method: clinical testing. Allele origin: germline. Affected: no.

GeneDx
Classification: Uncertain significance. Last evaluated: 2018-07-27. Review status: criteria provided, single submitter. Criteria: GeneDx Variant Classification (06012015). Collection method: clinical testing. Allele origin: germline. Affected: yes.
Comment: This variant is denoted NBN c.620G>T at the cDNA level, p.Ser207Ile (S207I) at the protein level, and results in the change of a Serine to an Isoleucine (AGT>ATT). This variant has not, to our knowledge, been published in the literature as a pathogenic or benign germline variant. NBN Ser207Ile was not observed at a significant allele frequency in large population cohorts (Lek 2016). This variant is not located in a known functional domain. In silico analysis, which includes protein predictors and evolutionary conservation, supports a deleterious effect. Based on currently available evidence, it is unclear whether NBN Ser207Ile is a pathogenic or benign variant. We consider it to be a variant of uncertain significance.

NM_002485.5(NBN):c.620G>T (p.Ser207Ile)

Gene: NBN (nibrin; minus strand). Cytogenetic location: 8q21.3.
Variant type: single nucleotide variant.
Coding change: c.620G>T on transcript NM_002485.5 (MANE Select); coding-DNA position 620, G replaced by T.
Protein change: p.Ser207Ile; replaces serine 207 with isoleucine.
Molecular consequence: missense variant.
Genome position (GRCh38, 1-based): chr8:89,971,255, C>A on the plus strand (G>T on the coding strand, the complement: NBN is on the minus strand). VCF-style: chr8-89971255-C-A. GRCh37 (hg19) VCF-style: chr8-90983483-C-A.
Other names: p.S207I:AGT>ATT; c.374G>T, p.Ser125Ile (NM_001024688.3); short protein forms S207I, S125I.
Identifiers: ClinVar variation 127876 (VCV000127876.17), dbSNP rs587780099, ClinGen allele CA287946.